The following is an entry in ClinVar:

NM_001012339.3(DNAJC21):c.1255T>G (p.Leu419Val)

Gene: DNAJC21 (DnaJ heat shock protein family (Hsp40) member C21; plus strand). Cytogenetic location: 5p13.2.
Variant type: single nucleotide variant.
Coding change: c.1255T>G on transcript NM_001012339.3 (MANE Select); coding-DNA position 1255, T replaced by G.
Protein change: p.Leu419Val; replaces leucine 419 with valine.
Molecular consequence: missense variant.
Genome position (GRCh38, 1-based): chr5:34,950,239, T>G. VCF-style: chr5-34950239-T-G. GRCh37 (hg19) VCF-style: chr5-34950344-T-G.
Other names: c.1294T>G, p.Leu432Val (NM_001348420.2); c.1390T>G, p.Leu464Val (NM_194283.4); short protein forms L432V, L464V, L419V.
Identifiers: ClinVar variation 1036658 (VCV001036658.8), dbSNP rs1765317605, ClinGen allele CA359422737.
Genomic context (GRCh38, chr5:34,950,239, plus strand): 5'-GACAATTTCAATGTAAATGGACCTGGAGAAGGAGTAAAGGTTGATCCAGAAGATACTAAC[T>G]TAAATCAAGACAGTGCCAAAGAATTGGAAGATAGTCCCCAGGAAAATGTCAGTGTCACAG-3'
Protein context (NP_001012339.2, residues 409-429): GVKVDPEDTN[Leu419Val]NQDSAKELED

ClinVar aggregate classification (germline): Uncertain significance (1 of 4 stars; one submission).

Allele frequency attached by ClinVar (database versions not stated): gnomAD exomes below 0.00001; TOPMed below 0.00001.
gnomAD v4.1: 1 of 1,613,846 alleles (0.000062%); highest among the groups gnomAD compares: Non-Finnish European, 0.000085%; no homozygotes.

Submission:

Labcorp Genetics (formerly Invitae), Labcorp
Classification: Uncertain significance. Last evaluated: 2021-02-07. Review status: criteria provided, single submitter. Criteria: Invitae Variant Classification Sherloc (09022015). Collection method: clinical testing. Allele origin: germline.
Comment: In summary, the available evidence is currently insufficient to determine the role of this variant in disease. Therefore, it has been classified as a Variant of Uncertain Significance. Algorithms developed to predict the effect of sequence changes on RNA splicing suggest that this variant may create or strengthen a splice site, but this prediction has not been confirmed by published transcriptional studies. Algorithms developed to predict the effect of missense changes on protein structure and function (SIFT, PolyPhen-2, Align-GVGD) all suggest that this variant is likely to be tolerated, but these predictions have not been confirmed by published functional studies and their clinical significance is uncertain. This variant has not been reported in the literature in individuals with DNAJC21-related conditions. This variant is not present in population databases (ExAC no frequency). This sequence change replaces leucine with valine at codon 419 of the DNAJC21 protein (p.Leu419Val). The leucine residue is weakly conserved and there is a small physicochemical difference between leucine and valine.